The following is an entry in ClinVar:

NM_007215.4(POLG2):c.994G>A (p.Val332Ile)

Genes: MILR1 (mast cell immunoglobulin like receptor 1; plus strand), POLG2 (DNA polymerase gamma 2, accessory subunit; minus strand). Cytogenetic location: 17q23.3.
Variant type: single nucleotide variant.
Coding change: c.994G>A on transcript NM_007215.4 (MANE Select); coding-DNA position 994, G replaced by A.
Protein change: p.Val332Ile; replaces valine 332 with isoleucine.
Molecular consequence: missense variant.
Genome position (GRCh38, 1-based): chr17:64,485,844, C>T on the plus strand (G>A on the coding strand, the complement: POLG2 is on the minus strand). VCF-style: chr17-64485844-C-T. GRCh37 (hg19) VCF-style: chr17-62481961-C-T.
Other names: short protein forms V332I.
Identifiers: ClinVar variation 3664206 (VCV003664206.2).

ClinVar aggregate classification (germline): Uncertain significance (1 of 4 stars; one submission).

gnomAD v4.1: 4 of 1,614,020 alleles (0.00025%); highest among the groups gnomAD compares: South Asian, 0.0044%; 1 homozygote.

Submission:

Labcorp Genetics (formerly Invitae), Labcorp
Classification: Uncertain significance. Last evaluated: 2024-11-30. Review status: criteria provided, single submitter. Criteria: Invitae Variant Classification Sherloc (09022015). Collection method: clinical testing. Allele origin: germline.
Comment: This sequence change replaces valine, which is neutral and non-polar, with isoleucine, which is neutral and non-polar, at codon 332 of the POLG2 protein (p.Val332Ile). This variant is present in population databases (rs782793489, gnomAD 0.006%). This variant has not been reported in the literature in individuals affected with POLG2-related conditions. An algorithm developed to predict the effect of missense changes on protein structure and function outputs the following: PolyPhen-2: "Benign". The isoleucine amino acid residue is found in multiple mammalian species, which suggests that this missense change does not adversely affect protein function. In summary, the available evidence is currently insufficient to determine the role of this variant in disease. Therefore, it has been classified as a Variant of Uncertain Significance.